The following is an entry in ClinVar:

NM_002617.4(PEX10):c.834G>A (p.Glu278=)

Gene: PEX10 (peroxisomal biogenesis factor 10; minus strand). Cytogenetic location: 1p36.32.
Variant type: single nucleotide variant.
Coding change: c.834G>A on transcript NM_002617.4 (MANE Select); coding-DNA position 834, G replaced by A.
Protein change: p.Glu278=; no amino-acid change (glutamic acid 278 retained).
Molecular consequence: synonymous variant. On other transcripts: non-coding transcript variant (1).
Genome position (GRCh38, 1-based): chr1:2,406,562, C>T on the plus strand (G>A on the coding strand, the complement: PEX10 is on the minus strand). VCF-style: chr1-2406562-C-T. GRCh37 (hg19) VCF-style: chr1-2338001-C-T.
Other names: c.894G>A (NM_153818.1); c.891G>A, p.Glu297= (NM_001374425.1); c.459G>A, p.Glu153= (NM_001374426.1); c.402G>A, p.Glu134= (NM_001374427.1); c.894G>A, p.Glu298= (NM_153818.2).
Identifiers: ClinVar variation 1430802 (VCV001430802.7), dbSNP rs542788558, ClinGen allele CA538000.
Genomic context (GRCh38, chr1:2,406,562, plus strand): 5'-GGTGATGCACTCCCAGCAGAACAGGTGGCCGCAGGGCGTGGCTGTTGGGTGCCTGCGCTC[C>T]TCCAGGCACAGGGTGCACAGGGGGTTTCTGGAAACGGCTCTCTCCTCCAAGGAGGCCCTG-3'
Protein context (NP_002608.1, residues 268-288): SRNPLCTLCL[Glu278=]ERRHPTATPC

ClinVar aggregate classification (germline): Likely benign. Review status: criteria provided, multiple submitters, no conflicts (2 of 4 stars). 2 submissions from 2 submitters: Likely benign (2). Last evaluated 2026-01-11.

Conditions:
PEX10-related disorder. Also called: PEX10-related condition.
Peroxisome biogenesis disorder, complementation group 7 (CG7). Also called: Peroxisome biogenesis disorder, complementation group B. Identifiers: MedGen C1864399.

Allele frequency attached by ClinVar (database versions not stated): gnomAD exomes below 0.00001 and 0.00001; gnomAD 0.00001; ExAC 0.00002; TOPMed 0.00002; 1000 Genomes Project 30x 0.00016; 1000 Genomes Project 0.00020.

Submissions (2):

Labcorp Genetics (formerly Invitae), Labcorp
Classification: Likely benign for Peroxisome biogenesis disorder, complementation group 7. Last evaluated: 2026-01-11. Review status: criteria provided, single submitter. Criteria: Invitae Variant Classification Sherloc (09022015). Collection method: clinical testing. Allele origin: germline.

PreventionGenetics, part of Exact Sciences
Classification: Likely benign for PEX10-related condition. Last evaluated: 2025-03-06. Review status: criteria provided, single submitter. Criteria: ACMG Guidelines, 2015. Collection method: clinical testing. Allele origin: germline.
Comment: This variant is classified as likely benign based on ACMG/AMP sequence variant interpretation guidelines (Richards et al. 2015 PMID: 25741868, with internal and published modifications).